The following is an entry in ClinVar:

ClinVar aggregate classification (germline): Uncertain significance (1 of 4 stars; one submission).

Submission:

CeGaT Center for Human Genetics Tuebingen
Classification: Uncertain significance. Last evaluated: 2023-05-01. Review status: criteria provided, single submitter. Criteria: CeGaT Center For Human Genetics Tuebingen Variant Classification Criteria Version 2. Collection method: clinical testing. Allele origin: germline. Affected: yes. Observed: 1 variant allele.
Comment: TEP1: PM2

NM_007110.5(TEP1):c.1469T>C (p.Met490Thr)

Genes: TEP1 (telomerase associated protein 1; minus strand), LOC126861879 (CDK7 strongly-dependent group 2 enhancer GRCh37_chr14:20868788-20869987; plus strand). Cytogenetic location: 14q11.2.
Variant type: single nucleotide variant.
Coding change: c.1469T>C on transcript NM_007110.5 (MANE Select); coding-DNA position 1469, T replaced by C.
Protein change: p.Met490Thr; replaces methionine 490 with threonine.
Molecular consequence: missense variant.
Genome position (GRCh38, 1-based): chr14:20,401,064, A>G on the plus strand (T>C on the coding strand, the complement: TEP1 is on the minus strand). VCF-style: chr14-20401064-A-G. GRCh37 (hg19) VCF-style: chr14-20869223-A-G.
Other names: c.1145T>C, p.Met382Thr (NM_001319035.2); short protein forms M382T, M490T.
Identifiers: ClinVar variation 2644048 (VCV002644048.24), dbSNP rs2502415329, ClinGen allele CA389138308.